The following is an entry in ClinVar:

NM_006767.4(LZTR1):c.1341C>A (p.Phe447Leu)

Gene: LZTR1 (leucine zipper like post translational regulator 1; plus strand). Cytogenetic location: 22q11.21.
Variant type: single nucleotide variant.
Coding change: c.1341C>A on transcript NM_006767.4 (MANE Select); coding-DNA position 1341, C replaced by A.
Protein change: p.Phe447Leu; replaces phenylalanine 447 with leucine.
Molecular consequence: missense variant.
Genome position (GRCh38, 1-based): chr22:20,993,742, C>A. VCF-style: chr22-20993742-C-A. GRCh37 (hg19) VCF-style: chr22-21348031-C-A.
Other names: short protein forms F447L.
Identifiers: ClinVar variation 1329029 (VCV001329029.7), dbSNP rs201016956, ClinGen allele CA10118819.
Genomic context (GRCh38, chr22:20,993,742, plus strand): 5'-CACGCTGCACGAGGACTACGGGCGGCTGTGGGAGAGCCGCCAGTTCTGCGACGTGGAGTT[C>A]GTGCTGGGTGAGGTGGGTGCCTGTCCTCGCACCCTGCTCTGCCTGCTGTGCCTGGGCAGT-3'
Protein context (NP_006758.2, residues 437-457): WESRQFCDVE[Phe447Leu]VLGEKEECVQ

ClinVar aggregate classification (germline): Uncertain significance. Review status: criteria provided, multiple submitters, no conflicts (2 of 4 stars). 3 submissions from 3 submitters: Uncertain significance (3). Last evaluated 2025-10-23.

Conditions:
Hereditary cancer-predisposing syndrome. Also called: Hereditary Cancer Syndrome; Tumor predisposition; Neoplastic Syndromes, Hereditary; Hereditary neoplastic syndrome. Identifiers: Orphanet 140162, MedGen C0027672, MeSH D009386, MONDO:0015356.
Cardiovascular phenotype. Identifiers: MedGen CN230736.

Allele frequency attached by ClinVar (database versions not stated): 1000 Genomes Project 30x 0.00016.
gnomAD v4.1: 3 of 1,612,998 alleles (0.00019%); highest among the groups gnomAD compares: African/African-American, 0.0027%; no homozygotes.

Submissions (3):

Labcorp Genetics (formerly Invitae), Labcorp
Classification: Uncertain significance. Last evaluated: 2025-10-23. Review status: criteria provided, single submitter. Criteria: Invitae Variant Classification Sherloc (09022015). Collection method: clinical testing. Allele origin: germline.
Comment: This sequence change replaces phenylalanine, which is neutral and non-polar, with leucine, which is neutral and non-polar, at codon 447 of the LZTR1 protein (p.Phe447Leu). The frequency data for this variant in the population databases is considered unreliable, as metrics indicate poor data quality at this position in the gnomAD database. This missense change has been observed in individual(s) with Noonan syndrome (PMID: 25795793). ClinVar contains an entry for this variant (Variation ID: 1329029). Invitae Evidence Modeling of protein sequence and biophysical properties (such as structural, functional, and spatial information, amino acid conservation, physicochemical variation, residue mobility, and thermodynamic stability) indicates that this missense variant is not expected to disrupt LZTR1 protein function with a negative predictive value of 80%. In summary, the available evidence is currently insufficient to determine the role of this variant in disease. Therefore, it has been classified as a Variant of Uncertain Significance.

Ambry Genetics
Classification: Uncertain significance for Cardiovascular phenotype; Hereditary cancer-predisposing syndrome. Last evaluated: 2024-02-19. Review status: criteria provided, single submitter. Criteria: Ambry Variant Classification Scheme 2023. Collection method: clinical testing. Allele origin: germline.
Comment: The p.F447L variant (also known as c.1341C>A), located in coding exon 12 of the LZTR1 gene, results from a C to A substitution at nucleotide position 1341. The phenylalanine at codon 447 is replaced by leucine, an amino acid with highly similar properties. This alteration was detected in 1/50 Brazilian patients with Noonan syndrome (Yamamoto GL et al. J Med Genet, 2015 Jun;52:413-21). This amino acid position is highly conserved in available vertebrate species. In addition, this alteration is predicted to be tolerated by in silico analysis. Based on the available evidence, the clinical significance of this alteration remains unclear.

Women's Health and Genetics/Laboratory Corporation of America, LabCorp
Classification: Uncertain significance. Last evaluated: 2021-11-22. Review status: criteria provided, single submitter. Criteria: LabCorp Variant Classification Summary - May 2015. Collection method: clinical testing. Allele origin: germline.
Comment: Variant summary: LZTR1 c.1341C>A (p.Phe447Leu) results in a non-conservative amino acid change located in the BTB/POZ domain (IPR000210) of the encoded protein sequence. Four of five in-silico tools predict a damaging effect of the variant on protein function. The variant allele was found at a frequency of 4e-06 in 248652 control chromosomes. The available data on variant occurrences in the general population are insufficient to allow any conclusion about variant significance. These report(s) do not provide unequivocal conclusions about association of the variant with Noonan Syndrome. To our knowledge, no experimental evidence demonstrating an impact on protein function has been reported. No clinical diagnostic laboratories have submitted clinical-significance assessments for this variant to ClinVar after 2014. Based on the evidence outlined above, the variant was classified as uncertain significance.

Literature cited by the submitters: PubMed 25795793 (cited by Labcorp Genetics (formerly Invitae), Labcorp and Women's Health and Genetics/Laboratory Corporation of America, LabCorp); PubMed 24362817 (cited by Women's Health and Genetics/Laboratory Corporation of America, LabCorp).